The following is an entry in ClinVar:

NM_006393.3(NEBL):c.1009-252T>A

Gene: NEBL (nebulette; minus strand). Cytogenetic location: 10p12.31.
Variant type: single nucleotide variant.
Coding change: c.1009-252T>A on transcript NM_006393.3 (MANE Select); 252 bases into the intron before coding-DNA position 1009, T replaced by A.
Molecular consequence: intron variant.
Genome position (GRCh38, 1-based): chr10:20,850,754, A>T on the plus strand (T>A on the coding strand, the complement: NEBL is on the minus strand). VCF-style: chr10-20850754-A-T. GRCh37 (hg19) VCF-style: chr10-21139683-A-T.
Other names: c.292-37814T>A (NM_001377325.1); c.310-37814T>A (NM_001377323.1); c.250-37814T>A (NM_001377326.1, NM_001377327.1, NM_001377328.1); c.358-37814T>A (NM_213569.2, NM_001173484.2, NM_001377322.1); c.301-37814T>A (NM_001377324.1).
Identifiers: ClinVar variation 669012 (VCV000669012.1), dbSNP rs2274361, ClinGen allele CA13184876.
Genomic context (GRCh38, chr10:20,850,754, plus strand): 5'-TTAAGGGATAAAAATAATTTAGAACAACTAACTAATGTAGTTCTAGGAGTTGTATAAAGC[A>T]TCTTGTCAAATGGCTGGAATATATAGATATGTATCGTATATATGGGGTTATACATGTATA-3'

ClinVar aggregate classification (germline): Benign (1 of 4 stars; one submission).

Allele frequency attached by ClinVar (database versions not stated): TOPMed 0.22037; gnomAD 0.22473; 1000 Genomes Project 30x 0.25562; 1000 Genomes Project 0.25819.
gnomAD v4.1: 34,115 of 152,172 alleles (22%); highest among the groups gnomAD compares: East Asian, 43%; 4,226 homozygotes.

Submission:

GeneDx
Classification: Benign. Last evaluated: 2018-06-19. Review status: criteria provided, single submitter. Criteria: GeneDx Variant Classification (06012015). Collection method: clinical testing. Allele origin: germline. Affected: yes.
Comment: This variant is considered likely benign or benign based on one or more of the following criteria: it is a conservative change, it occurs at a poorly conserved position in the protein, it is predicted to be benign by multiple in silico algorithms, and/or has population frequency not consistent with disease.